The following is an entry in ClinVar:

NM_145290.4(ADGRA3):c.2914C>A (p.His972Asn)

Gene: ADGRA3 (adhesion G protein-coupled receptor A3; minus strand). Cytogenetic location: 4p15.2.
Variant type: single nucleotide variant.
Coding change: c.2914C>A on transcript NM_145290.4 (MANE Select); coding-DNA position 2914, C replaced by A.
Protein change: p.His972Asn; replaces histidine 972 with asparagine.
Molecular consequence: missense variant.
Genome position (GRCh38, 1-based): chr4:22,388,757, G>T on the plus strand (C>A on the coding strand, the complement: ADGRA3 is on the minus strand). VCF-style: chr4-22388757-G-T. GRCh37 (hg19) VCF-style: chr4-22390380-G-T.
Other names: c.2914C>A (NM_145290.2); short protein forms H972N.
Identifiers: ClinVar variation 1044272 (VCV001044272.9), dbSNP rs758000828, ClinGen allele CA2873482.

ClinVar aggregate classification (germline): Uncertain significance. Review status: criteria provided, multiple submitters, no conflicts (2 of 4 stars). 2 submissions from 2 submitters: Uncertain significance (2). Last evaluated 2025-10-05.

Allele frequency attached by ClinVar (database versions not stated): gnomAD 0.00001; ExAC 0.00002; TOPMed 0.00002.
gnomAD v4.1: 14 of 1,613,862 alleles (0.00087%); highest among the groups gnomAD compares: South Asian, 0.0033%; no homozygotes.

Submissions (2):

Labcorp Genetics (formerly Invitae), Labcorp
Classification: Uncertain significance. Last evaluated: 2025-10-05. Review status: criteria provided, single submitter. Criteria: Invitae Variant Classification Sherloc (09022015). Collection method: clinical testing. Allele origin: germline.
Comment: This sequence change replaces histidine, which is basic and polar, with asparagine, which is neutral and polar, at codon 972 of the ADGRA3 protein (p.His972Asn). This variant is present in population databases (rs758000828, gnomAD 0.004%). This variant has not been reported in the literature in individuals affected with ADGRA3-related conditions. ClinVar contains an entry for this variant (Variation ID: 1044272). An algorithm developed to predict the effect of missense changes on protein structure and function (PolyPhen-2) suggests that this variant is likely to be tolerated. In summary, the available evidence is currently insufficient to determine the role of this variant in disease. Therefore, it has been classified as a Variant of Uncertain Significance.

Ambry Genetics
Classification: Uncertain significance. Last evaluated: 2025-09-10. Review status: criteria provided, single submitter. Criteria: Ambry Variant Classification Scheme 2023. Collection method: clinical testing. Allele origin: germline.